The following is an entry in ClinVar:

NM_001042545.2(LTBP4):c.3588G>C (p.Gln1196His)

Gene: LTBP4 (latent transforming growth factor beta binding protein 4; plus strand). Cytogenetic location: 19q13.2.
Variant type: single nucleotide variant.
Coding change: c.3588G>C on transcript NM_001042545.2 (MANE Select); coding-DNA position 3588, G replaced by C.
Protein change: p.Gln1196His; replaces glutamine 1196 with histidine.
Molecular consequence: missense variant.
Genome position (GRCh38, 1-based): chr19:40,623,635, G>C. VCF-style: chr19-40623635-G-C. GRCh37 (hg19) VCF-style: chr19-41129540-G-C.
Other names: c.3789G>C, p.Gln1263His (NM_001042544.1); c.3678G>C, p.Gln1226His (NM_003573.2); short protein forms Q1196H, Q1226H, Q1263H.
Identifiers: ClinVar variation 1358833 (VCV001358833.6), dbSNP rs2146045400, ClinGen allele CA405907910.
Genomic context (GRCh38, chr19:40,623,635, plus strand): 5'-CCCCATCTCTCTCTCTGCTTTTCGCACAGACGTGGACGAATGTCAGCTCTTCCGAGACCA[G>C]GTGTGCAAGAGTGGCGTGTGTGTGAACACGGCCCCGGGCTACTCATGCTATTGCAGCAAC-3'
Protein context (NP_001036010.1, residues 1186-1206): DVDECQLFRD[Gln1196His]VCKSGVCVNT

ClinVar aggregate classification (germline): Uncertain significance (1 of 4 stars; one submission).

Allele frequency attached by ClinVar (database versions not stated): gnomAD exomes below 0.00001.
gnomAD v4.1: 1 of 1,613,792 alleles (0.000062%); highest among the groups gnomAD compares: Admixed American, 0.0017%; no homozygotes.

Submission:

Labcorp Genetics (formerly Invitae), Labcorp
Classification: Uncertain significance. Last evaluated: 2022-11-01. Review status: criteria provided, single submitter. Criteria: Invitae Variant Classification Sherloc (09022015). Collection method: clinical testing. Allele origin: germline.
Comment: In summary, the available evidence is currently insufficient to determine the role of this variant in disease. Therefore, it has been classified as a Variant of Uncertain Significance. Experimental studies and prediction algorithms are not available or were not evaluated, and the functional significance of this variant is currently unknown. ClinVar contains an entry for this variant (Variation ID: 1358833). This variant has not been reported in the literature in individuals affected with LTBP4-related conditions. This variant is not present in population databases (gnomAD no frequency). This sequence change replaces glutamine, which is neutral and polar, with histidine, which is basic and polar, at codon 1226 of the LTBP4 protein (p.Gln1226His).